The following is an entry in ClinVar:

GRCh37/hg19 1q21.1-21.2(chr1:145895746-147926347)x1

Genes: NBPF11 (NBPF member 11; minus strand), NBPF12 (NBPF member 12; plus strand), PRKAB2 (protein kinase AMP-activated non-catalytic subunit beta 2; minus strand), ACP6 (acid phosphatase 6, lysophosphatidic; minus strand), BCL9 (BCL9 transcription coactivator; plus strand) and 5 more. Cytogenetic location: 1q21.1-21.2.
Variant type: copy number loss.
Change: copy number 1 (one copy instead of two) of chr1:145,895,746-147,926,347 (2.03 Mb, GRCh37 coordinates, 1-based), cytogenetic band 1q21.1-21.2.
Identifiers: ClinVar variation 565170 (VCV000565170.3).

ClinVar aggregate classification (germline): Pathogenic (1 of 4 stars; one submission).

Submission:

Quest Diagnostics Nichols Institute San Juan Capistrano
Classification: Pathogenic. Last evaluated: 2022-09-18. Review status: criteria provided, single submitter. Criteria: ACMG/ClinGen CNV Guidelines, 2019. Collection method: clinical testing. Allele origin: unknown.
Comment: This copy number loss involves multiple genes, and is associated with the 1q21.1 deletion syndrome (OMIM 612474). Inheritance from a normal or mildly affected parent has been reported, suggesting incomplete penetrance and variable expressivity. See GeneReviews for additional information and references.